The following is an entry in ClinVar:

ClinVar aggregate classification (germline): Uncertain significance (1 of 4 stars; one submission).

Conditions:
Cardiovascular phenotype. Identifiers: MedGen CN230736.
Hereditary cancer-predisposing syndrome. Also called: Neoplastic Syndromes, Hereditary; Tumor predisposition; Hereditary neoplastic syndrome; Hereditary Cancer Syndrome. Identifiers: Orphanet 140162, MedGen C0027672, MeSH D009386, MONDO:0015356.

Submission:

Ambry Genetics
Classification: Uncertain significance for Cardiovascular phenotype; Hereditary cancer-predisposing syndrome. Last evaluated: 2026-08-10. Review status: criteria provided, single submitter. Criteria: Ambry Variant Classification Scheme 2023. Collection method: clinical testing. Allele origin: germline.
Comment: The p.N355I variant (also known as c.1064A>T), located in coding exon 10 of the NF1 gene, results from an A to T substitution at nucleotide position 1064. The asparagine at codon 355 is replaced by isoleucine, an amino acid with dissimilar properties. This amino acid position is conserved. In addition, this alteration is predicted to be tolerated by in silico analysis. Based on the available evidence, the clinical significance of this variant remains unclear.

NM_001042492.3(NF1):c.1064A>T (p.Asn355Ile)

Gene: NF1 (neurofibromin 1; plus strand). Cytogenetic location: 17q11.2.
Variant type: single nucleotide variant.
Coding change: c.1064A>T on transcript NM_001042492.3 (MANE Select); coding-DNA position 1064, A replaced by T.
Protein change: p.Asn355Ile; replaces asparagine 355 with isoleucine.
Molecular consequence: missense variant.
Genome position (GRCh38, 1-based): chr17:31,201,038, A>T. VCF-style: chr17-31201038-A-T. GRCh37 (hg19) VCF-style: chr17-29528056-A-T.
Other names: c.1064A>T, p.Asn355Ile (NM_000267.4, NM_001128147.3); short protein forms N355I.
Identifiers: ClinVar variation 5025618 (VCV005025618.1).
Genomic context (GRCh38, chr17:31,201,038, plus strand): 5'-AGTAAAGAAATACTGCATGGGTATTTAAAGGCTTTTGTTTTCTGTTGGGGTTTTTATAGA[A>T]CCTGCTTTTTAATCCAAGTAAGCCATTCTCAAGAGGCAGTCAGCCTGCAGATGTGGATCT-3'
Protein context (NP_001035957.1, residues 345-365): LVQSMVVDLK[Asn355Ile]LLFNPSKPFS